The following is an entry in ClinVar:

NM_001142800.2(EYS):c.6575A>T (p.Asn2192Ile)

Gene: EYS (EGF-like photoreceptor maintenance factor; minus strand). Cytogenetic location: 6q12.
Variant type: single nucleotide variant.
Coding change: c.6575A>T on transcript NM_001142800.2 (MANE Select); coding-DNA position 6575, A replaced by T.
Protein change: p.Asn2192Ile; replaces asparagine 2192 with isoleucine.
Molecular consequence: missense variant.
Genome position (GRCh38, 1-based): chr6:64,066,488, T>A on the plus strand (A>T on the coding strand, the complement: EYS is on the minus strand). VCF-style: chr6-64066488-T-A. GRCh37 (hg19) VCF-style: chr6-64776381-T-A.
Other names: c.6575A>T, p.Asn2192Ile (NM_001292009.2); short protein forms N2192I.
Identifiers: ClinVar variation 1006302 (VCV001006302.6), dbSNP rs750904267, ClinGen allele CA364390009.

ClinVar aggregate classification (germline): Uncertain significance. Review status: criteria provided, single submitter (1 of 4 stars). 2 submissions from 2 submitters: Uncertain significance (1). 1 of the submissions does not count toward it. Last evaluated 2025-09-02.

Conditions:
Retinitis pigmentosa 25 (RP25). Identifiers: Orphanet 791, MedGen C1864446, MONDO:0011272, OMIM 602772.

gnomAD v4.1: 7 of 1,524,328 alleles (0.00046%); highest among the groups gnomAD compares: Non-Finnish European, 0.00044%; no homozygotes.

Submissions (2):

Labcorp Genetics (formerly Invitae), Labcorp
Classification: Uncertain significance. Last evaluated: 2025-09-02. Review status: criteria provided, single submitter. Criteria: Invitae Variant Classification Sherloc (09022015). Collection method: clinical testing. Allele origin: germline.
Comment: This sequence change replaces asparagine, which is neutral and polar, with isoleucine, which is neutral and non-polar, at codon 2192 of the EYS protein (p.Asn2192Ile). This variant is not present in population databases (gnomAD no frequency). This variant has not been reported in the literature in individuals affected with EYS-related conditions. ClinVar contains an entry for this variant (Variation ID: 1006302). Invitae Evidence Modeling of protein sequence and biophysical properties (such as structural, functional, and spatial information, amino acid conservation, physicochemical variation, residue mobility, and thermodynamic stability) indicates that this missense variant is not expected to disrupt EYS protein function with a negative predictive value of 80%. In summary, the available evidence is currently insufficient to determine the role of this variant in disease. Therefore, it has been classified as a Variant of Uncertain Significance.

Natera, Inc.
Classification: Uncertain significance for Retinitis pigmentosa type 25. Last evaluated: 2020-10-10. Review status: no assertion criteria provided. Collection method: clinical testing. Allele origin: germline. Not counted in ClinVar's aggregate classification.